The following is an entry in ClinVar:

ClinVar aggregate classification (germline): Benign/Likely benign. Review status: criteria provided, multiple submitters, no conflicts (2 of 4 stars). 7 submissions from 7 submitters: Benign (1); Likely benign (6). Last evaluated 2026-05-15.

Conditions:
Hereditary cancer-predisposing syndrome. Also called: Tumor predisposition; Neoplastic Syndromes, Hereditary; Hereditary neoplastic syndrome; Hereditary Cancer Syndrome. Identifiers: Orphanet 140162, MedGen C0027672, MeSH D009386, MONDO:0015356.
Neurofibromatosis, type 1 (NF1). Also called: NEUROFIBROMATOSIS, TYPE I, SOMATIC; Peripheral type neurofibromatosis; VON RECKLINGHAUSEN DISEASE; Neurofibromatosis, type I. Identifiers: Orphanet 636, MedGen C0027831, MONDO:0018975, OMIM 162200. Disease mechanism: loss of function.

Allele frequency attached by ClinVar (database versions not stated): gnomAD 0.00001 and 0.00002; ExAC 0.00002; TOPMed 0.00002; gnomAD exomes below 0.00001.
gnomAD v4.1: 11 of 1,613,820 alleles (0.00068%); highest among the groups gnomAD compares: Middle Eastern, 0.033%; no homozygotes.

Submissions (7):

Myriad Genetics, Inc.
Classification: Benign for Neurofibromatosis, type 1. Last evaluated: 2026-05-15. Review status: criteria provided, single submitter. Criteria: Myriad Autosomal Dominant, Autosomal Recessive and X-Linked Classification Criteria (2023). Collection method: clinical testing. Allele origin: unknown.
Comment: This variant is considered benign. This variant is a silent/synonymous amino acid change and it is not expected to impact splicing.

Labcorp Genetics (formerly Invitae), Labcorp
Classification: Likely benign for Neurofibromatosis, type 1. Last evaluated: 2026-01-14. Review status: criteria provided, single submitter. Criteria: Invitae Variant Classification Sherloc (09022015). Collection method: clinical testing. Allele origin: germline.

Blueprint Genetics
Classification: Likely benign. Last evaluated: 2023-04-14. Review status: criteria provided, single submitter. Criteria: ACMG Guidelines, 2015. Collection method: clinical testing. Allele origin: germline.

Genome-Nilou Lab
Classification: Likely benign for Neurofibromatosis, type 1. Last evaluated: 2022-03-15. Review status: criteria provided, single submitter. Criteria: ACMG Guidelines, 2015. Collection method: clinical testing. Allele origin: germline. Affected: no.

Sema4
Classification: Likely benign for Hereditary cancer-predisposing syndrome. Last evaluated: 2021-09-16. Review status: criteria provided, single submitter. Criteria: Sema4 Curation Guidelines. Collection method: curation. Allele origin: germline.

GeneDx
Classification: Likely benign. Last evaluated: 2021-04-14. Review status: criteria provided, single submitter. Criteria: GeneDx Variant Classification Process June 2021. Collection method: clinical testing. Allele origin: germline. Affected: yes.

Ambry Genetics
Classification: Likely benign for Hereditary cancer-predisposing syndrome. Last evaluated: 2014-10-15. Review status: criteria provided, single submitter. Criteria: Ambry Autosomal Dominant and X-Linked criteria (10/2015). Collection method: clinical testing. Allele origin: germline. Observed: 1 variant allele.

NM_001042492.3(NF1):c.1593A>G (p.Gln531=)

Gene: NF1 (neurofibromin 1; plus strand). Cytogenetic location: 17q11.2.
Variant type: single nucleotide variant.
Coding change: c.1593A>G on transcript NM_001042492.3 (MANE Select); coding-DNA position 1593, A replaced by G.
Protein change: p.Gln531=; no amino-acid change (glutamine 531 retained).
Molecular consequence: synonymous variant.
Genome position (GRCh38, 1-based): chr17:31,219,070, A>G. VCF-style: chr17-31219070-A-G. GRCh37 (hg19) VCF-style: chr17-29546088-A-G.
Other names: c.1593A>G, p.Gln531= (NM_000267.4, NM_001128147.3).
Identifiers: ClinVar variation 186578 (VCV000186578.18), dbSNP rs773712266, ClinGen allele CA195216.